The following is an entry in ClinVar:

NM_001371928.1(AHDC1):c.2188dup (p.Glu730fs)

Gene: AHDC1 (AT-hook DNA binding motif containing 1; minus strand). Cytogenetic location: 1p36.11.
Variant type: Duplication.
Coding change: c.2188dup on transcript NM_001371928.1 (MANE Select); coding-DNA position 2188, one base duplicated (G; older notation c.2188dupG).
Protein change: p.Glu730fs; shifts the reading frame from glutamic acid 730.
Molecular consequence: frameshift variant.
Genome position (GRCh38, 1-based): chr1:27,549,928, C duplicated on the plus strand (G on the coding strand, the reverse complement: AHDC1 is on the minus strand); the first of 6 consecutive C bases (chr1:27,549,928-27,549,933); duplicating any one gives the same sequence. VCF-style (leftmost placement, unchanged base first): chr1-27549927-T-TC. GRCh37 (hg19) VCF-style: chr1-27876438-T-TC.
Other names: c.2188dup, p.Glu730fs (NM_001029882.3); short protein forms E730fs.
Identifiers: ClinVar variation 951871 (VCV000951871.8), dbSNP rs751165635, ClinGen allele CA715812.
Genomic context (GRCh38, chr1:27,549,927, plus strand): 5'-AGAGTCCCATTCTTCCGGGACCGTCTCTTGCGCTTTGGCTTCCCAGTCACAGCGTCTACC[T>TC]CCCCCCGGCCCCGTTTGCGTGGGTGCCCCAACTCAGTAAGGCCCGGGCCCCCGACCCCAG-3'

ClinVar aggregate classification (germline): Pathogenic/Likely pathogenic. Review status: criteria provided, multiple submitters, no conflicts (2 of 4 stars). 2 submissions from 2 submitters: Pathogenic (1); Likely pathogenic (1). Last evaluated 2022-02-21.

Conditions:
AHDC1-related disorder. Also called: AHDC1-related condition.

Submissions (2):

Labcorp Genetics (formerly Invitae), Labcorp
Classification: Pathogenic. Last evaluated: 2022-02-21. Review status: criteria provided, single submitter. Criteria: Invitae Variant Classification Sherloc (09022015). Collection method: clinical testing. Allele origin: germline.
Comment: This sequence change creates a premature translational stop signal (p.Glu730Glyfs*38) in the AHDC1 gene. While this is not anticipated to result in nonsense mediated decay, it is expected to disrupt the last 874 amino acid(s) of the AHDC1 protein. For these reasons, this variant has been classified as Pathogenic. ClinVar contains an entry for this variant (Variation ID: 951871). This premature translational stop signal has been observed in individual(s) with clinical features of Xia-Gibbs syndrome (Invitae). In at least one individual the variant was observed to be de novo. This variant is not present in population databases (gnomAD no frequency).

Blueprint Genetics
Classification: Likely pathogenic for AHDC1-related disorders. Last evaluated: 2020-10-02. Review status: criteria provided, single submitter. Criteria: ACMG Guidelines, 2015. Collection method: clinical testing. Allele origin: germline. Affected: yes. Observed: 1 variant allele.